The following is an entry in ClinVar:

ClinVar aggregate classification (germline): Likely pathogenic (1 of 4 stars; one submission).

Conditions:
Becker muscular dystrophy (BMD). Also called: MUSCULAR DYSTROPHY, PSEUDOHYPERTROPHIC PROGRESSIVE, BECKER TYPE; Becker Muscular Dystrophy (BMD). Identifiers: Orphanet 98895, MedGen C0917713, MONDO:0010311, OMIM 300376.

Submission:

3billion
Classification: Likely pathogenic for Becker muscular dystrophy. Last evaluated: 2024-11-13. Review status: criteria provided, single submitter. Criteria: ACMG Guidelines, 2015. Collection method: clinical testing. Allele origin: germline. Affected: yes.
Comment: The variant is not observed in the gnomAD v4.1.0 dataset. Predicted Consequence/Location: Canonical splice site: predicted to alter splicing and result in a loss or disruption of normal protein function. Multiple pathogenic loss-of-function variants are reported downstream of the variant. In silico tools predict the variant to alter splicing and produce an abnormal transcript [SpliceAI: 0.98 (spliceogenicity >=0.2, non-spliceogenicity <0.1)]. Therefore, this variant is classified as Likely pathogenic according to the recommendation of ACMG/AMP guideline.

NM_004006.3(DMD):c.4233+1G>C

Gene: DMD (dystrophin; minus strand). Cytogenetic location: Xp21.1.
Variant type: single nucleotide variant.
Coding change: c.4233+1G>C on transcript NM_004006.3 (MANE Select); the canonical splice donor site of the intron after coding-DNA position 4233, G replaced by C.
Molecular consequence: splice donor variant.
Genome position (GRCh38, 1-based): chrX:32,411,751, C>G on the plus strand (G>C on the coding strand, the complement: DMD is on the minus strand). VCF-style: chrX-32411751-C-G. GRCh37 (hg19) VCF-style: chrX-32429868-C-G.
Other names: c.4209+1G>C (NM_000109.4); c.210+1G>C (NM_004011.4); c.201+1G>C (NM_004012.4); c.4221+1G>C (NM_004009.3); c.3864+1G>C (NM_004010.3).
Identifiers: ClinVar variation 4291915 (VCV004291915.1).
Genomic context (GRCh38, chrX:32,411,751, plus strand): 5'-GCAACATTTTGTTGAAGTAATAAAAACAAAAGAATGGAAGCTGATTCCCAGATGTACTTG[C>G]CTGGGCTTCCTGAGGCATTTGAGCTGCGTCCACCTTGTCTGCAATATAAGCTGCCAACTG-3'